The following is an entry in ClinVar:

NM_000153.4(GALC):c.1225G>A (p.Ala409Thr)

Gene: GALC (galactosylceramidase; minus strand). Cytogenetic location: 14q31.3.
Variant type: single nucleotide variant.
Coding change: c.1225G>A on transcript NM_000153.4 (MANE Select); coding-DNA position 1225, G replaced by A.
Protein change: p.Ala409Thr; replaces alanine 409 with threonine.
Molecular consequence: missense variant. On other transcripts: non-coding transcript variant (1).
Genome position (GRCh38, 1-based): chr14:87,950,685, C>T on the plus strand (G>A on the coding strand, the complement: GALC is on the minus strand). VCF-style: chr14-87950685-C-T. GRCh37 (hg19) VCF-style: chr14-88417029-C-T.
Other names: c.1156G>A, p.Ala386Thr (NM_001201401.2); c.1147G>A, p.Ala383Thr (NM_001201402.2); c.1057G>A, p.Ala353Thr (NM_001424071.1, NM_001424072.1, NM_001424073.1); c.877G>A, p.Ala293Thr (NM_001424074.1, NM_001424075.1); c.592G>A, p.Ala198Thr (NM_001424076.1, NM_001424077.1); short protein forms A198T, A293T, A353T, A383T, A386T, A409T.
Identifiers: ClinVar variation 5020420 (VCV005020420.1).
Genomic context (GRCh38, chr14:87,950,685, plus strand): 5'-CAAAACTAAAATAAAGTTAAACATATTTACTTACAAAAGATCCCTTAAGAACAAAGGTGG[C>T]AAATTGTTGTGACACATTGAAATAAGGAAGAAATGGCCGTATGCACTTAGAATGTTTATG-3'
Protein context (NP_000144.2, residues 399-419): LPYFNVSQQF[Ala409Thr]TFVLKGSFSE

ClinVar aggregate classification (germline): Uncertain significance (1 of 4 stars; one submission).

gnomAD v4.1: 4 of 1,604,412 alleles (0.00025%); highest among the groups gnomAD compares: African/African-American, 0.004%; no homozygotes.

Submission:

Dasa
Classification: Uncertain significance. Last evaluated: 2026-06-06. Review status: criteria provided, single submitter. Criteria: DASA Assertion Criteria. Collection method: clinical testing. Allele origin: germline.
Comment: NM_000153.4(GALC):c.1225G>A (p.Ala409Thr) is a missense variant that results in the substitution of alanine with threonine. This variant is rare in population databases. The currently available literature and clinical evidence are not sufficient to establish a definitive association between this variant and the reported condition. Therefore, this variant is classified as a variant of uncertain significance.